The following is an entry in ClinVar:

ClinVar aggregate classification (germline): Uncertain significance (1 of 4 stars; one submission).

Conditions:
Juvenile polyposis syndrome (JPS). Identifiers: Orphanet 2929, MedGen C0345893, MONDO:0017380, OMIM 174900.

Submission:

Labcorp Genetics (formerly Invitae), Labcorp
Classification: Uncertain significance for Juvenile polyposis syndrome. Last evaluated: 2024-08-21. Review status: criteria provided, single submitter. Criteria: Invitae Variant Classification Sherloc (09022015). Collection method: clinical testing. Allele origin: germline.
Comment: This sequence change replaces phenylalanine, which is neutral and non-polar, with cysteine, which is neutral and slightly polar, at codon 408 of the SMAD4 protein (p.Phe408Cys). This variant is not present in population databases (gnomAD no frequency). This variant has not been reported in the literature in individuals affected with SMAD4-related conditions. Invitae Evidence Modeling of protein sequence and biophysical properties (such as structural, functional, and spatial information, amino acid conservation, physicochemical variation, residue mobility, and thermodynamic stability) has been performed for this missense variant. However, the output from this modeling did not meet the statistical confidence thresholds required to predict the impact of this variant on SMAD4 protein function. In summary, the available evidence is currently insufficient to determine the role of this variant in disease. Therefore, it has been classified as a Variant of Uncertain Significance.

NM_005359.6(SMAD4):c.1223T>G (p.Phe408Cys)

Gene: SMAD4 (SMAD family member 4; plus strand). Cytogenetic location: 18q21.2.
Variant type: single nucleotide variant.
Coding change: c.1223T>G on transcript NM_005359.6 (MANE Select); coding-DNA position 1223, T replaced by G.
Protein change: p.Phe408Cys; replaces phenylalanine 408 with cysteine.
Molecular consequence: missense variant. On other transcripts: non-coding transcript variant (1).
Genome position (GRCh38, 1-based): chr18:51,067,102, T>G. VCF-style: chr18-51067102-T-G. GRCh37 (hg19) VCF-style: chr18-48593472-T-G.
Other names: c.1223T>G, p.Phe408Cys (NM_001407041.1, NM_001407042.1); short protein forms F408C.
Identifiers: ClinVar variation 3637574 (VCV003637574.2).